The following is an entry in ClinVar:

NM_005876.5(SPEG):c.4606GAG[1] (p.Glu1537del)

Gene: SPEG (striated muscle enriched protein kinase; plus strand). Cytogenetic location: 2q35.
Variant type: Microsatellite.
Coding change: c.4606GAG[1] on transcript NM_005876.5 (MANE Select); one copy of the 3-base unit GAG starting at c.4606; the reference has two copies in a row; one copy, 3 bases deleted.
Protein change: p.Glu1537del; deletes glutamic acid 1537.
Molecular consequence: inframe deletion.
Genome position (GRCh38, 1-based): chr2:219,477,325-219,477,327, GAG deleted; deleting any 3 consecutive bases within chr2:219,477,322-219,477,327 gives the same sequence; the position shown is the placement nearest the transcript's 3' end. VCF-style (leftmost placement, unchanged base first): chr2-219477321-CGAG-C. GRCh37 (hg19) VCF-style: chr2-220342043-CGAG-C.
Other names: short protein forms E1537del.
Identifiers: ClinVar variation 1970632 (VCV001970632.4), dbSNP rs2545858302, ClinGen allele CA2580616707.
Genomic context (GRCh38, chr2:219,477,321, plus strand): 5'-AGACCCCACTCTGCAGGACGAGGTGCTGCTGACCGAGAGCAGCCATGTGAGCTTCGTGTA[CGAG>C]GAGAATGAGTGCTCCCTGGTGGTGCTCAGCACGGGGGCCCAGGATGGAGGCGTCTACACC-3'

ClinVar aggregate classification (germline): Uncertain significance (1 of 4 stars; one submission).

Submission:

Labcorp Genetics (formerly Invitae), Labcorp
Classification: Uncertain significance. Last evaluated: 2021-12-17. Review status: criteria provided, single submitter. Criteria: Invitae Variant Classification Sherloc (09022015). Collection method: clinical testing. Allele origin: germline.
Comment: In summary, the available evidence is currently insufficient to determine the role of this variant in disease. Therefore, it has been classified as a Variant of Uncertain Significance. Experimental studies and prediction algorithms are not available or were not evaluated, and the functional significance of this variant is currently unknown. This variant has not been reported in the literature in individuals affected with SPEG-related conditions. This variant is not present in population databases (gnomAD no frequency). This variant, c.4609_4611del, results in the deletion of 1 amino acid(s) of the SPEG protein (p.Glu1537del), but otherwise preserves the integrity of the reading frame.